The following is an entry in ClinVar:

ClinVar aggregate classification (germline): Uncertain significance (1 of 4 stars; one submission).

Submission:

GeneDx
Classification: Uncertain significance. Last evaluated: 2026-08-19. Review status: criteria provided, single submitter. Criteria: GeneDx Variant Classification Process June 2021. Collection method: clinical testing. Allele origin: germline.
Comment: Not observed at significant frequency in large population cohorts (gnomAD); Frameshift variant predicted to result in abnormal protein length as the last 15 amino acids are replaced with 7 different amino acids; Has not been previously published as pathogenic or benign to our knowledge

NM_001352027.3(PHF21A):c.1999_2000del (p.Ser667fs)

Gene: PHF21A (PHD finger protein 21A; minus strand). Cytogenetic location: 11p11.2.
Variant type: Deletion.
Coding change: c.1999_2000del on transcript NM_001352027.3 (MANE Select); coding-DNA positions 1999 to 2000, 2 bases deleted (TC; older notation c.1999_2000delTC).
Protein change: p.Ser667fs; shifts the reading frame from serine 667.
Molecular consequence: frameshift variant. On other transcripts: non-coding transcript variant (2).
Genome position (GRCh38, 1-based): chr11:45,934,014-45,934,015, GA deleted on the plus strand (TC on the coding strand, the reverse complement: PHF21A is on the minus strand); deleting any 2 consecutive bases within chr11:45,934,014-45,934,016 gives the same sequence; the c. name uses the placement nearest the transcript's 3' end. VCF-style (leftmost placement, unchanged base first): chr11-45934013-GGA-G. GRCh37 (hg19) VCF-style: chr11-45955564-GGA-G.
Other names: c.1996_1997del, p.Ser666fs (NM_001101802.3); c.1999_2000del, p.Ser667fs (NM_001352025.3, NM_001352026.3); c.1858_1859del, p.Ser620fs (NM_001352028.1, NM_001352029.1, NM_016621.5); c.1855_1856del, p.Ser619fs (NM_001352030.3, NM_001352031.3, NM_001352032.3); short protein forms S619fs, S620fs, S666fs, S667fs.
Identifiers: ClinVar variation 3572451 (VCV003572451.2).
Genomic context (GRCh38, chr11:45,934,013, plus strand): 5'-CCTAGAGGGGCTCTGTTATTTAGTCTCTTCCCCCTGGTTACAGTTCGCTGTGCAGCTCTG[GGA>G]GGAGGGGGAAGGGGCCGGCGTGGAGGTGGCGGCATTGGCAGGGGGGGTGCAGTCCGGGCC-3'